The following is an entry in ClinVar:

ClinVar aggregate classification (germline): Uncertain significance (1 of 4 stars; one submission).

Conditions:
DiGeorge syndrome. Also called: THIRD AND FOURTH PHARYNGEAL POUCH SYNDROME; Catch22. Identifiers: Orphanet 567, MedGen C0012236, MONDO:0008564, OMIM 188400.

Submission:

Labcorp Genetics (formerly Invitae), Labcorp
Classification: Uncertain significance for DiGeorge syndrome. Last evaluated: 2025-01-23. Review status: criteria provided, single submitter. Criteria: Invitae Variant Classification Sherloc (09022015). Collection method: clinical testing. Allele origin: germline.
Comment: This sequence change replaces proline, which is neutral and non-polar, with serine, which is neutral and polar, at codon 45 of the TBX1 protein (p.Pro45Ser). The frequency data for this variant in the population databases is considered unreliable, as metrics indicate insufficient coverage at this position in the gnomAD database. This variant has not been reported in the literature in individuals affected with TBX1-related conditions. Experimental studies and prediction algorithms are not available or were not evaluated, and the functional significance of this variant is currently unknown. In summary, the available evidence is currently insufficient to determine the role of this variant in disease. Therefore, it has been classified as a Variant of Uncertain Significance.

NM_001379200.1(TBX1):c.160C>T (p.Pro54Ser)

Gene: TBX1 (T-box transcription factor 1; plus strand). Cytogenetic location: 22q11.21.
Variant type: single nucleotide variant.
Coding change: c.160C>T on transcript NM_001379200.1 (MANE Select); coding-DNA position 160, C replaced by T.
Protein change: p.Pro54Ser; replaces proline 54 with serine.
Molecular consequence: missense variant.
Genome position (GRCh38, 1-based): chr22:19,761,003, C>T. VCF-style: chr22-19761003-C-T. GRCh37 (hg19) VCF-style: chr22-19748526-C-T.
Other names: c.133C>T, p.Pro45Ser (NM_005992.1, NM_080646.2, NM_080647.1); short protein forms P54S, P45S.
Identifiers: ClinVar variation 3730499 (VCV003730499.2).